The following is an entry in ClinVar:

NM_003743.5(NCOA1):c.4207G>T (p.Val1403Leu)

Gene: NCOA1 (nuclear receptor coactivator 1; plus strand). Cytogenetic location: 2p23.3.
Variant type: single nucleotide variant.
Coding change: c.4207G>T on transcript NM_003743.5 (MANE Select); coding-DNA position 4207, G replaced by T.
Protein change: p.Val1403Leu; replaces valine 1403 with leucine.
Molecular consequence: missense variant. On other transcripts: 3 prime UTR variant (5).
Genome position (GRCh38, 1-based): chr2:24,768,272, G>T. VCF-style: chr2-24768272-G-T. GRCh37 (hg19) VCF-style: chr2-24991141-G-T.
Other names: c.*64G>T (NM_001362950.1, NM_001362952.1, NM_001362955.1 and 1 more transcripts); c.*61G>T (NM_001362954.1); c.4204G>T, p.Val1402Leu (NM_147233.2); short protein forms V1402L, V1403L.
Identifiers: ClinVar variation 3353912 (VCV003353912.1).

ClinVar aggregate classification (germline): Uncertain significance (0 of 4 stars; one submission).

Conditions:
NCOA1-related disorder. Also called: NCOA1-related condition.

gnomAD v4.1: 8 of 1,613,734 alleles (0.0005%); highest among the groups gnomAD compares: African/African-American, 0.011%; no homozygotes.

Submission:

PreventionGenetics, part of Exact Sciences
Classification: Uncertain significance for NCOA1-related condition. Last evaluated: 2024-02-08. Review status: no assertion criteria provided. Collection method: clinical testing. Allele origin: germline.
Comment: The NCOA1 c.4207G>T variant is predicted to result in the amino acid substitution p.Val1403Leu. To our knowledge, this variant has not been reported in the literature. This variant is reported in 0.012% of alleles in individuals of African descent in gnomAD. At this time, the clinical significance of this variant is uncertain due to the absence of conclusive functional and genetic evidence.